The following is an entry in ClinVar:

NM_024678.6(NARS2):c.690-4G>A

Gene: NARS2 (asparaginyl-tRNA synthetase 2, mitochondrial; minus strand). Cytogenetic location: 11q14.1.
Variant type: single nucleotide variant.
Coding change: c.690-4G>A on transcript NM_024678.6 (MANE Select); 4 bases into the intron before coding-DNA position 690, G replaced by A.
Molecular consequence: intron variant.
Genome position (GRCh38, 1-based): chr11:78,493,199, C>T on the plus strand (G>A on the coding strand, the complement: NARS2 is on the minus strand). VCF-style: chr11-78493199-C-T. GRCh37 (hg19) VCF-style: chr11-78204245-C-T.
Other names: p.?; c.9-4G>A (NM_001243251.2).
Identifiers: ClinVar variation 1408031 (VCV001408031.9), dbSNP rs759239379, ClinGen allele CA6205739.

ClinVar aggregate classification (germline): Likely benign. Review status: criteria provided, multiple submitters, no conflicts (2 of 4 stars). 2 submissions from 2 submitters: Likely benign (2). Last evaluated 2025-09-10.

Allele frequency attached by ClinVar (database versions not stated): gnomAD exomes 0.00002; ExAC 0.00003; gnomAD 0.00003; TOPMed 0.00003.
gnomAD v4.1: 43 of 1,609,752 alleles (0.0027%); highest among the groups gnomAD compares: Middle Eastern, 0.033%; no homozygotes.

Submissions (2):

Mayo Clinic Laboratories, Mayo Clinic
Classification: Likely benign. Last evaluated: 2025-09-10. Review status: criteria provided, single submitter. Criteria: ACMG Guidelines, 2015. Collection method: clinical testing. Allele origin: germline. Observed: 1 variant allele.
Comment: BP4, BP7

Labcorp Genetics (formerly Invitae), Labcorp
Classification: Likely benign. Last evaluated: 2022-04-08. Review status: criteria provided, single submitter. Criteria: Invitae Variant Classification Sherloc (09022015). Collection method: clinical testing. Allele origin: germline.